The following is an entry in ClinVar:

NM_004055.5(CAPN5):c.1384del (p.Asp462fs)

Gene: CAPN5 (calpain 5; plus strand). Cytogenetic location: 11q13.5.
Variant type: Deletion.
Coding change: c.1384del on transcript NM_004055.5 (MANE Select); coding-DNA position 1384, one base deleted (G; older notation c.1384delG).
Protein change: p.Asp462fs; shifts the reading frame from aspartic acid 462.
Molecular consequence: frameshift variant.
Genome position (GRCh38, 1-based): chr11:77,120,806, G deleted. VCF-style (leftmost placement, unchanged base first): chr11-77120805-CG-C. GRCh37 (hg19) VCF-style: chr11-76831851-CG-C.
Other names: short protein forms D462fs.
Identifiers: ClinVar variation 1039700 (VCV001039700.6), dbSNP rs1298290901, ClinGen allele CA680400903.

ClinVar aggregate classification (germline): Uncertain significance (1 of 4 stars; one submission).

Allele frequency attached by ClinVar (database versions not stated): TOPMed below 0.00001; gnomAD 0.00001; gnomAD exomes 0.00001.

Submission:

Labcorp Genetics (formerly Invitae), Labcorp
Classification: Uncertain significance. Last evaluated: 2022-07-05. Review status: criteria provided, single submitter. Criteria: Invitae Variant Classification Sherloc (09022015). Collection method: clinical testing. Allele origin: germline.
Comment: This sequence change creates a premature translational stop signal (p.Asp462Thrfs*57) in the CAPN5 gene. It is expected to result in an absent or disrupted protein product. However, the current clinical and genetic evidence is not sufficient to establish whether loss-of-function variants in CAPN5 cause disease. This variant is not present in population databases (gnomAD no frequency). This variant has not been reported in the literature in individuals affected with CAPN5-related conditions. ClinVar contains an entry for this variant (Variation ID: 1039700). In summary, the available evidence is currently insufficient to determine the role of this variant in disease. Therefore, it has been classified as a Variant of Uncertain Significance.